The following is an entry in ClinVar:

ClinVar aggregate classification (germline): Uncertain significance (1 of 4 stars; one submission).

Conditions:
Myoclonic dystonia 11 (DYT11). Also called: DYT-SGCE; Myoclonic dystonia; Dystonia 11; Dystonia, alcohol responsive; Hereditary essential myoclonus; SGCE Myoclonus-Dystonia. Identifiers: Orphanet 36899, MedGen C1834570, MONDO:0008044, OMIM 159900.

Submission:

Labcorp Genetics (formerly Invitae), Labcorp
Classification: Uncertain significance for Myoclonic dystonia 11. Last evaluated: 2020-11-22. Review status: criteria provided, single submitter. Criteria: Invitae Variant Classification Sherloc (09022015). Collection method: clinical testing. Allele origin: germline.
Comment: Nucleotide substitutions within the consensus splice site are a relatively common cause of aberrant splicing (PMID: 17576681, 9536098). Algorithms developed to predict the effect of sequence changes on RNA splicing suggest that this variant may disrupt the consensus splice site, but this prediction has not been confirmed by published transcriptional studies. This variant has not been reported in the literature in individuals with SGCE-related conditions. This variant is not present in population databases (ExAC no frequency). This sequence change falls in intron 5 of the SGCE gene. It does not directly change the encoded amino acid sequence of the SGCE protein. It affects a nucleotide within the consensus splice site of the intron. In summary, the available evidence is currently insufficient to determine the role of this variant in disease. Therefore, it has been classified as a Variant of Uncertain Significance.

Literature cited by the submitters: PubMed 17576681; PubMed 9536098.

NM_003919.3(SGCE):c.663-3C>G

Genes: CASD1 (CAS1 domain sialic acid O acetyltransferase 1; plus strand), SGCE (sarcoglycan epsilon; minus strand). Cytogenetic location: 7q21.3.
Variant type: single nucleotide variant.
Coding change: c.663-3C>G on transcript NM_003919.3 (MANE Select); 3 bases into the intron before coding-DNA position 663, C replaced by G.
Molecular consequence: intron variant.
Genome position (GRCh38, 1-based): chr7:94,603,455, G>C on the plus strand (C>G on the coding strand, the complement: SGCE is on the minus strand). VCF-style: chr7-94603455-G-C. GRCh37 (hg19) VCF-style: chr7-94232767-G-C.
Other names: c.540-3C>G (NM_001362809.2, NM_001301139.2); c.663-3C>G (NM_001346717.2, NM_001099400.2, NM_001099401.2); c.771-3C>G (NM_001346715.2, NM_001346713.2); c.576-3C>G (NM_001362807.2, NM_001346719.2); c.390-3C>G (NM_001362808.2, NM_001346720.2).
Identifiers: ClinVar variation 1502428 (VCV001502428.6), dbSNP rs2116725021, ClinGen allele CA2573142512.